The following is an entry in ClinVar:

ClinVar aggregate classification (germline): Uncertain significance (1 of 4 stars; one submission).

Conditions:
Hereditary cancer-predisposing syndrome. Also called: Tumor predisposition; Hereditary neoplastic syndrome; Neoplastic Syndromes, Hereditary; Hereditary Cancer Syndrome. Identifiers: Orphanet 140162, MedGen C0027672, MeSH D009386, MONDO:0015356.

Submission:

Ambry Genetics
Classification: Uncertain significance for Hereditary cancer-predisposing syndrome. Last evaluated: 2025-06-02. Review status: criteria provided, single submitter. Criteria: Ambry Variant Classification Scheme 2023. Collection method: clinical testing. Allele origin: germline.
Comment: The p.F968C variant (also known as c.2903T>G), located in coding exon 24 of the EGFR gene, results from a T to G substitution at nucleotide position 2903. The phenylalanine at codon 968 is replaced by cysteine, an amino acid with highly dissimilar properties. This amino acid position is conserved. In addition, this alteration is predicted to be deleterious by in silico analysis. Based on the available evidence, the clinical significance of this variant remains unclear.

NM_005228.5(EGFR):c.2903T>G (p.Phe968Cys)

Gene: EGFR (epidermal growth factor receptor; plus strand). Cytogenetic location: 7p11.2.
Variant type: single nucleotide variant.
Coding change: c.2903T>G on transcript NM_005228.5 (MANE Select); coding-DNA position 2903, T replaced by G.
Protein change: p.Phe968Cys; replaces phenylalanine 968 with cysteine.
Molecular consequence: missense variant.
Genome position (GRCh38, 1-based): chr7:55,200,370, T>G. VCF-style: chr7-55200370-T-G. GRCh37 (hg19) VCF-style: chr7-55268063-T-G.
Other names: c.2768T>G, p.Phe923Cys (NM_001346897.2, NM_001346899.2); c.2903T>G, p.Phe968Cys (NM_001346898.2); c.2744T>G, p.Phe915Cys (NM_001346900.2); c.2102T>G, p.Phe701Cys (NM_001346941.2); short protein forms F923C, F968C, F701C, F915C.
Identifiers: ClinVar variation 4016804 (VCV004016804.1).
Genomic context (GRCh38, chr7:55,200,370, plus strand): 5'-CCCCAGGCTGGATGATAGACGCAGATAGTCGCCCAAAGTTCCGTGAGTTGATCATCGAAT[T>G]CTCCAAAATGGCCCGAGACCCCCAGCGCTACCTTGTCATTCAGGTACAAATTGCAGTCTG-3'
Protein context (NP_005219.2, residues 958-978): RPKFRELIIE[Phe968Cys]SKMARDPQRY